The following is an entry in ClinVar:

ClinVar aggregate classification (germline): Pathogenic (1 of 4 stars; one submission).

Conditions:
Meckel syndrome, type 11 (MKS11). Identifiers: Orphanet 564, MedGen C3809352, MONDO:0014164, OMIM 615397.
Joubert syndrome 20 (JBTS20). Identifiers: Orphanet 475, MedGen C3554235, MONDO:0013994, OMIM 614970.

Submission:

Labcorp Genetics (formerly Invitae), Labcorp
Classification: Pathogenic for Joubert syndrome 20; Meckel syndrome, type 11. Last evaluated: 2023-10-29. Review status: criteria provided, single submitter. Criteria: Invitae Variant Classification Sherloc (09022015). Collection method: clinical testing. Allele origin: germline.
Comment: This variant is a gross deletion of the genomic region encompassing exon(s) 3-6 of the TMEM231 gene, which includes the termination codon. This deletion extends beyond the assayed region for this gene and therefore may encompass additional genes. While this deletion is not anticipated to lead to nonsense mediated decay, it is expected to alter mRNA translation or result in a truncated protein product. A similar copy number variant has been observed in individual(s) with TMEM231-related disease (Invitae). It has also been observed to segregate with disease in related individuals. This variant disrupts the p.Asp262 amino acid residue in TMEM231. Other variant(s) that disrupt this residue have been determined to be pathogenic (PMID: 23012439, 27449316). This suggests that this residue is clinically significant, and that variants that disrupt this residue are likely to be disease-causing. For these reasons, this variant has been classified as Pathogenic.

Literature cited by the submitters: PubMed 23012439; PubMed 27449316.

NC_000016.9:g.(?_75573892)_(75579413_?)del

Gene: TMEM231 (transmembrane protein 231; minus strand). Cytogenetic location: 16q23.1.
Variant type: Deletion.
Identifiers: ClinVar variation 1459430 (VCV001459430.5).